The following is an entry in ClinVar:

ClinVar aggregate classification (germline): Pathogenic/Likely pathogenic. Review status: criteria provided, multiple submitters, no conflicts (2 of 4 stars). 7 submissions from 7 submitters: Pathogenic (5); Likely pathogenic (2). Last evaluated 2026-03-11.

Conditions:
TTN-related cardiac and skeletal myopathy.
Cardiovascular phenotype. Identifiers: MedGen CN230736.
Dilated cardiomyopathy 1G (CMD1G). Identifiers: Orphanet 154, MedGen C1858763, MONDO:0011400, OMIM 604145.
Myopathy, myofibrillar, 9, with early respiratory failure (MFM9). Also called: Hereditary myopathy with early respiratory failure; EDSTROM MYOPATHY; MYOPATHY, PROXIMAL, WITH EARLY RESPIRATORY MUSCLE INVOLVEMENT; Myopathy, distal, with early respiratory failure, autosomal dominant. Identifiers: Orphanet 178464, Orphanet 34521, MedGen C1863599, MONDO:0011362, OMIM 603689.
Hypertrophic cardiomyopathy 9. Also called: Familial hypertrophic cardiomyopathy 9. Identifiers: MedGen C1861065, MONDO:0013412, OMIM 613765.
Autosomal recessive limb-girdle muscular dystrophy type 2J (LGMDR10). Also called: Limb-girdle muscular dystrophy, type 2J; MUSCULAR DYSTROPHY, LIMB-GIRDLE, AUTOSOMAL RECESSIVE 10. Identifiers: Orphanet 140922, MedGen C1837342, MONDO:0012127, OMIM 608807.
Tibial muscular dystrophy (TMD). Also called: Udd Distal Myopathy – Tibial Muscular Dystrophy; Tibial muscular dystrophy, tardive; UDD MYOPATHY. Identifiers: Orphanet 609, MedGen C1838244, MONDO:0010870, OMIM 600334.
Early-onset myopathy with fatal cardiomyopathy (CMYO5). Also called: Salih Myopathy; CONGENITAL MYOPATHY 5 WITH CARDIOMYOPATHY. Identifiers: Orphanet 289377, MedGen C2673677, MONDO:0012714, OMIM 611705. Disease mechanism: loss of function.
Primary dilated cardiomyopathy (DCM). Also called: Dilated Cardiomyopathy. Identifiers: Orphanet 217604, MedGen C0007193, MeSH D002311, MONDO:0005021, HP:0001644. Inheritance: Various modes of inheritance.

Allele frequency attached by ClinVar (database versions not stated): TOPMed below 0.00001; gnomAD 0.00001; gnomAD exomes below 0.00001.

Submissions (7):

Ambry Genetics
Classification: Pathogenic for Cardiovascular phenotype. Last evaluated: 2026-03-11. Review status: criteria provided, single submitter. Criteria: Ambry Variant Classification Scheme 2023. Collection method: clinical testing. Allele origin: germline.
Comment: The c.69855dupA (p.E23286Rfs*6) alteration, located in exon 176 (coding exon 175) of the TTN gene, consists of a duplication of A at position 69855, causing a translational frameshift with a predicted alternate stop codon after 6 amino acids. This variant is expected to result in loss of function by premature protein truncation or nonsense-mediated mRNA decay. This variant was not reported in population-based cohorts in the Genome Aggregation Database (gnomAD). This variant (also referred to as c.97050_97051insA and p.Glu32351Argfs*6) has been detected in individuals from dilated cardiomyopathy cohorts (Gigli, 2019; Ramchand, 2020). This exon is located in the A-band region of the N2-B isoform of the titin protein and is constitutively expressed in TTN transcripts (percent spliced in or PSI 100%). While truncating variants in TTN are present in 1-3% of the general population, truncating variants in the A-band are the most common cause of dilated cardiomyopathy (Herman, 2012; Roberts, 2015). TTN truncating variants encoded in constitutive exons (PSI >90%) have been found to be significantly associated with DCM regardless of their position in titin (Schafer, 2017; Akhtar, 2020; Massier, 2025). Based on the available evidence, this alteration is classified as pathogenic.

Labcorp Genetics (formerly Invitae), Labcorp
Classification: Pathogenic for Dilated cardiomyopathy 1G; Autosomal recessive limb-girdle muscular dystrophy type 2J. Last evaluated: 2026-01-07. Review status: criteria provided, single submitter. Criteria: Invitae Variant Classification Sherloc (09022015). Collection method: clinical testing. Allele origin: germline.
Comment: This sequence change creates a premature translational stop signal (p.Glu32351Argfs*6) in the TTN gene. While this is not anticipated to result in nonsense mediated decay, it is expected to create a truncated TTN protein. This variant is not present in population databases (gnomAD no frequency). This premature translational stop signal has been observed in individuals with dilated cardiomyopathy (PMID: 31514951; internal data). ClinVar contains an entry for this variant (Variation ID: 202495). This variant is located in the A band of TTN (PMID: 25589632). Truncating variants in this region are significantly overrepresented in patients affected with dilated cardiomyopathy (PMID: 25589632). Truncating variants in this region have also been reported in individuals affected with autosomal recessive centronuclear myopathy (PMID: 23975875). For these reasons, this variant has been classified as Pathogenic.

GeneDx
Classification: Pathogenic. Last evaluated: 2025-07-11. Review status: criteria provided, single submitter. Criteria: GeneDx Variant Classification Process June 2021. Collection method: clinical testing. Allele origin: germline. Affected: yes.
Comment: Frameshift variant predicted to result in protein truncation or nonsense mediated decay in a gene for which loss of function is a known mechanism of disease; Located in the A-band, a region of TTN for which truncating variants are significantly associated with autosomal dominant cardiomyopathy and also with autosomal recessive skeletal myopathies (PMID: 22335739, 32778822); Reported in patients with DCM in published literature (PMID: 31514951, 31931689, 36396199); Not observed at significant frequency in large population cohorts (gnomAD); This variant is associated with the following publications: (PMID: 31931689, 31514951, 22335739, 32778822, 38438525, 36396199)

Victorian Clinical Genetics Services, Murdoch Childrens Research Institute
Classification: Pathogenic for Dilated cardiomyopathy 1G. Last evaluated: 2025-04-16. Review status: criteria provided, single submitter. Criteria: ACMG Guidelines, 2015. Collection method: clinical testing. Allele origin: germline. Affected: no.
Comment: This variant is classified as Pathogenic. Evidence in support of pathogenic classification: Variant is predicted to cause nonsense-mediated decay (NMD) and loss of protein (premature termination codon is located at least 54 nucleotides upstream of the final exon-exon junction); Variant is present in gnomAD <0.01 (v4: 4 heterozygote(s), 0 homozygote(s)); This variant has strong previous evidence of pathogenicity in unrelated individuals. It has been classified as likely pathogenic and pathogenic for dilated cardiomyopathy by clinical laboratories in ClinVar; Other NMD-predicted variants comparable to the one identified in this case have strong previous evidence for pathogenicity (ClinVar). Additional information: This gene is associated with both recessive and dominant disease (OMIM); Variant is located in the annotated A-band and the exon has a PSI score of 100% (PMID: 25589632); Loss of function is a known mechanism of disease in this gene. In addition, dominant negative is also a suggested mechanism (PMID: 25589632); The condition associated with this gene has incomplete penetrance. Variants in this gene that result in a premature termination codon (PTC) are known to have reduced penetrance in DCM (PMID: 25589632).

Baylor Genetics
Classification: Pathogenic for Dilated cardiomyopathy 1G. Last evaluated: 2023-01-22. Review status: criteria provided, single submitter. Criteria: ACMG Guidelines, 2015. Collection method: clinical testing. Allele origin: unknown.

Fulgent Genetics
Classification: Likely pathogenic for Tibial muscular dystrophy; Myopathy, myofibrillar, 9, with early respiratory failure; Dilated cardiomyopathy 1G; Autosomal recessive limb-girdle muscular dystrophy type 2J; Early-onset myopathy with fatal cardiomyopathy; Hypertrophic cardiomyopathy 9. Last evaluated: 2021-10-10. Review status: criteria provided, single submitter. Criteria: ACMG Guidelines, 2015. Collection method: clinical testing. Allele origin: unknown.

Eurofins Ntd Llc (ga)
Classification: Likely pathogenic. Last evaluated: 2017-07-12. Review status: criteria provided, single submitter. Criteria: EGL Classification Definitions 2015. Collection method: clinical testing. Allele origin: germline. Observed: 1 variant allele, 1 heterozygote.

Literature cited by the submitters: PubMed 22335739 (cited by Ambry Genetics); PubMed 25589632 (cited by 3 submitters); PubMed 27869827 (cited by Ambry Genetics); PubMed 31514951 (cited by Ambry Genetics and Labcorp Genetics (formerly Invitae), Labcorp); PubMed 31931689 (cited by Ambry Genetics); PubMed 32964742 (cited by Ambry Genetics); PubMed 39844436 (cited by Ambry Genetics); PubMed 23975875 (cited by Labcorp Genetics (formerly Invitae), Labcorp).

NM_001267550.2(TTN):c.97050dup (p.Glu32351fs)

Genes: TTN (titin; minus strand), TTN-AS1 (TTN antisense RNA 1; plus strand). Cytogenetic location: 2q31.2.
Variant type: Duplication.
Coding change: c.97050dup on transcript NM_001267550.2 (MANE Select); coding-DNA position 97050, one base duplicated (A; older notation c.97050dupA).
Protein change: p.Glu32351fs; shifts the reading frame from glutamic acid 32351.
Molecular consequence: frameshift variant.
Genome position (GRCh38, 1-based): chr2:178,542,804, T duplicated on the plus strand (A on the coding strand, the reverse complement: TTN is on the minus strand). VCF-style (leftmost placement, unchanged base first): chr2-178542803-C-CT. GRCh37 (hg19) VCF-style: chr2-179407530-C-CT.
Other names: c.97050dupA (NM_001267550.2); c.92127dupA (NM_001256850.1); c.92127dup, p.Glu30710fs (NM_001256850.1); c.69855dup, p.Glu23286fs (NM_003319.4); c.89346dup, p.Glu29783fs (NM_133378.4); c.70230dup, p.Glu23411fs (NM_133432.3); c.70431dup, p.Glu23478fs (NM_133437.4); c.69855dupA (NM_003319.4); and 1 more; short protein forms E23411fs, E29783fs, E30710fs, E23478fs, E23286fs, E32351fs.
Identifiers: ClinVar variation 202495 (VCV000202495.30), dbSNP rs794729365, ClinGen allele CA309458.